The following is an entry in ClinVar:

NM_004447.6(EPS8):c.60-33TTA[7]

Gene: EPS8 (EGFR pathway substrate 8, signaling adaptor; minus strand). Cytogenetic location: 12p12.3.
Variant type: Microsatellite.
Coding change: c.60-33TTA[7] on transcript NM_004447.6 (MANE Select); seven copies in a row of the 3-base unit TTA starting at c.60-33; the reference has ten copies in a row; three copies, 9 bases deleted.
Molecular consequence: intron variant.
Genome position (GRCh38, 1-based): chr12:15,681,306-15,681,314, TAATAATAA deleted on the plus strand (TTATTATTA on the coding strand, the reverse complement: EPS8 is on the minus strand); deleting any 9 consecutive bases within chr12:15,681,306-15,681,337 gives the same sequence; the position shown is the placement nearest the transcript's 3' end. VCF-style (leftmost placement, unchanged base first): chr12-15681305-GTAATAATAA-G. GRCh37 (hg19) VCF-style: chr12-15834239-GTAATAATAA-G.
Other names: c.60-12_60-4del9 (NM_004447.5).
Identifiers: ClinVar variation 1218122 (VCV001218122.11), dbSNP rs201331879, ClinGen allele CA6468001.
Genomic context (GRCh38, chr12:15,681,305, plus strand): 5'-TGTTTTTGAACCATGTTCTCTGTCCGTCTGGGAAAAGGTAGGTGATGATCCGTAGCCACT[GTAATAATAA>G]TAATAATAATAATAATAATAATATAAAAAGGTCATTGTGTTGGGTTAAAGTCCAATATAA-3'

ClinVar aggregate classification (germline): Likely benign. Review status: criteria provided, multiple submitters, no conflicts (2 of 4 stars). 4 submissions from 4 submitters: Likely benign (4). Last evaluated 2026-08-25.

Conditions:
EPS8-related disorder. Also called: EPS8-related condition.

Submissions (4):

PreventionGenetics, part of Exact Sciences
Classification: Likely benign for EPS8-related condition. Last evaluated: 2026-08-25. Review status: criteria provided, single submitter. Criteria: ACMG Guidelines, 2015. Collection method: clinical testing. Allele origin: germline.
Comment: This variant is classified as likely benign based on ACMG/AMP sequence variant interpretation guidelines (Richards et al. 2015 PMID: 25741868, with internal and published modifications).

Labcorp Genetics (formerly Invitae), Labcorp
Classification: Likely benign. Last evaluated: 2025-05-12. Review status: criteria provided, single submitter. Criteria: Invitae Variant Classification Sherloc (09022015). Collection method: clinical testing. Allele origin: germline.

Blueprint Genetics
Classification: Likely benign. Last evaluated: 2024-10-14. Review status: criteria provided, single submitter. Criteria: ACMG Guidelines, 2015. Collection method: clinical testing. Allele origin: germline.

GeneDx
Classification: Likely benign. Last evaluated: 2023-05-26. Review status: criteria provided, single submitter. Criteria: GeneDx Variant Classification Process June 2021. Collection method: clinical testing. Allele origin: germline. Affected: yes.
Comment: See Variant Classification Assertion Criteria.